The following is an entry in ClinVar:

NM_001007228.2(SPOP):c.352G>A (p.Glu118Lys)

Gene: SPOP (speckle type BTB/POZ protein; minus strand). Cytogenetic location: 17q21.33.
Variant type: single nucleotide variant.
Coding change: c.352G>A on transcript NM_001007228.2 (MANE Select); coding-DNA position 352, G replaced by A.
Protein change: p.Glu118Lys; replaces glutamic acid 118 with lysine.
Molecular consequence: missense variant.
Genome position (GRCh38, 1-based): chr17:49,619,234, C>T on the plus strand (G>A on the coding strand, the complement: SPOP is on the minus strand). VCF-style: chr17-49619234-C-T. GRCh37 (hg19) VCF-style: chr17-47696596-C-T.
Other names: c.352G>A, p.Glu118Lys (NM_001007226.1, NM_001007227.1, NM_001007229.1 and 5 more transcripts); short protein forms E118K.
Identifiers: ClinVar variation 2500332 (VCV002500332.1), dbSNP rs2143268856, ClinGen allele CA400156806.

ClinVar aggregate classification (germline): Likely pathogenic (1 of 4 stars; one submission).

Conditions:
Neurodevelopmental disorder with relative macrocephaly and with or without cardiac or endocrine anomalies. Also called: Nabais Sa-de Vries syndrome, type 2. Identifiers: Orphanet 662175, MedGen C5394221, MONDO:0032943, OMIM 618829.

Submission:

Institute of Human Genetics, University of Leipzig Medical Center
Classification: Likely pathogenic for Neurodevelopmental disorder with relative macrocephaly and with or without cardiac or endocrine anomalies. Last evaluated: 2023-02-21. Review status: criteria provided, single submitter. Criteria: ACMG Guidelines, 2015. Collection method: clinical testing. Allele origin: unknown. Affected: yes.
Comment: see also variant at same amin acid position in DECIPHER: Patient 405636, p.Glu118Val in silico prediction: loss of donor splice site exon 4 Criteria applied: PM1, PM5, PM2_SUP, PP3